The following is an entry in ClinVar:

ClinVar aggregate classification (germline): Likely benign (1 of 4 stars; one submission).

Allele frequency attached by ClinVar (database versions not stated): TOPMed 0.00002; gnomAD exomes below 0.00001; gnomAD 0.00001.
gnomAD v4.1: 5 of 1,614,056 alleles (0.00031%); highest among the groups gnomAD compares: Non-Finnish European, 0.00042%; no homozygotes.

Submission:

CeGaT Center for Human Genetics Tuebingen
Classification: Likely benign. Last evaluated: 2023-01-01. Review status: criteria provided, single submitter. Criteria: CeGaT Center For Human Genetics Tuebingen Variant Classification Criteria Version 2. Collection method: clinical testing. Allele origin: germline. Affected: yes. Observed: 1 variant allele.
Comment: NLRP7: BP4, BP7

NM_001127255.2(NLRP7):c.861G>T (p.Leu287=)

Gene: NLRP7 (NLR family pyrin domain containing 7; minus strand). Cytogenetic location: 19q13.42.
Variant type: single nucleotide variant.
Coding change: c.861G>T on transcript NM_001127255.2 (MANE Select); coding-DNA position 861, G replaced by T.
Protein change: p.Leu287=; no amino-acid change (leucine 287 retained).
Molecular consequence: synonymous variant.
Genome position (GRCh38, 1-based): chr19:54,939,958, C>A on the plus strand (G>T on the coding strand, the complement: NLRP7 is on the minus strand). VCF-style: chr19-54939958-C-A. GRCh37 (hg19) VCF-style: chr19-55451326-C-A.
Other names: c.861G>T, p.Leu287= (NM_001405531.1, NM_139176.4, NM_206828.4).
Identifiers: ClinVar variation 2650497 (VCV002650497.24), dbSNP rs919320478, ClinGen allele CA310019062.
Genomic context (GRCh38, chr19:54,939,958, plus strand): 5'-CCTCAGTGCCCTGGGCCGCGTGGTGACCAGCAAGGCTGCCCTGGGTAACATCTTCCTCTT[C>A]AGCAAACTCCCCAGGAGGACGGGCACCGGCTTCTTCTTCTCCCAGTCCCCGCAGATGTCC-3'
Protein context (NP_001120727.1, residues 277-297): KPVPVLLGSL[Leu287=]KRKMLPRAAL